The following is an entry in ClinVar:

ClinVar aggregate classification (germline): Pathogenic (1 of 4 stars; one submission).

Conditions:
Intellectual developmental disorder with speech delay, autism, and dysmorphic facies. Identifiers: MedGen C5231456, MONDO:0032864, OMIM 618672.

Submission:

Kasturba Medical College, Manipal, Kasturba Medical College, Manipal, Manipal Academy of Higher Education, Manipal, India
Classification: Pathogenic for Intellectual developmental disorder with speech delay, autism, and dysmorphic facies. Review status: criteria provided, single submitter. Criteria: ACMG Guidelines, 2015. Collection method: clinical testing. Allele origin: de novo. Inheritance: Autosomal dominant inheritance. Affected: yes.
Comment: Monoallelic disease-causing variants in CNOT3 are known to cause intellectual developmental disorder with speech delay, autism, and dysmorphic facies (MIM #618672).

Single allele

Genes: CNOT3 (CCR4-NOT transcription complex subunit 3; plus strand), LENG1 (leukocyte receptor cluster member 1; minus strand), MBOAT7 (membrane bound acylglycerophosphatidylinositol O-acyltransferase MBOAT7; minus strand), PRPF31 (pre-mRNA processing factor 31; plus strand), TMC4 (transmembrane channel like 4; minus strand). Cytogenetic location: 19q13.42.
Variant type: Deletion.
Identifiers: ClinVar variation 3338643 (VCV003338643.2).